The following is an entry in ClinVar:

NM_001267550.2(TTN):c.48451A>C (p.Thr16151Pro)

Genes: TTN (titin; minus strand), TTN-AS1 (TTN antisense RNA 1; plus strand). Cytogenetic location: 2q31.2.
Variant type: single nucleotide variant.
Coding change: c.48451A>C on transcript NM_001267550.2 (MANE Select); coding-DNA position 48451, A replaced by C.
Protein change: p.Thr16151Pro; replaces threonine 16151 with proline.
Molecular consequence: missense variant.
Genome position (GRCh38, 1-based): chr2:178,615,650, T>G on the plus strand (A>C on the coding strand, the complement: TTN is on the minus strand). VCF-style: chr2-178615650-T-G. GRCh37 (hg19) VCF-style: chr2-179480377-T-G.
Other names: p.T14510P:ACT>CCT; c.43528A>C, p.Thr14510Pro (NM_001256850.1); c.21256A>C, p.Thr7086Pro (NM_003319.4); c.40747A>C, p.Thr13583Pro (NM_133378.4); c.21631A>C, p.Thr7211Pro (NM_133432.3); c.21832A>C, p.Thr7278Pro (NM_133437.4); short protein forms T14510P, T16151P, T13583P, T7211P, T7278P, T7086P.
Identifiers: ClinVar variation 202665 (VCV000202665.7), dbSNP rs186497293, ClinGen allele CA309917.

ClinVar aggregate classification (germline): Uncertain significance. Review status: criteria provided, multiple submitters, no conflicts (2 of 4 stars). 3 submissions from 3 submitters: Uncertain significance (3). Last evaluated 2021-11-17.

Conditions:
Myopathy, myofibrillar, 9, with early respiratory failure (MFM9). Also called: EDSTROM MYOPATHY; MYOPATHY, PROXIMAL, WITH EARLY RESPIRATORY MUSCLE INVOLVEMENT; Myopathy, distal, with early respiratory failure, autosomal dominant; Hereditary myopathy with early respiratory failure. Identifiers: Orphanet 178464, Orphanet 34521, MedGen C1863599, MONDO:0011362, OMIM 603689.
Early-onset myopathy with fatal cardiomyopathy (CMYO5). Also called: CONGENITAL MYOPATHY 5 WITH CARDIOMYOPATHY; Salih Myopathy. Identifiers: Orphanet 289377, MedGen C2673677, MONDO:0012714, OMIM 611705. Disease mechanism: loss of function.
Hypertrophic cardiomyopathy 9. Also called: Familial hypertrophic cardiomyopathy 9. Identifiers: MedGen C1861065, MONDO:0013412, OMIM 613765.
Dilated cardiomyopathy 1G (CMD1G). Identifiers: Orphanet 154, MedGen C1858763, MONDO:0011400, OMIM 604145.
Tibial muscular dystrophy (TMD). Also called: UDD MYOPATHY; Tibial muscular dystrophy, tardive; Udd Distal Myopathy – Tibial Muscular Dystrophy. Identifiers: Orphanet 609, MedGen C1838244, MONDO:0010870, OMIM 600334.
Autosomal recessive limb-girdle muscular dystrophy type 2J (LGMDR10). Also called: MUSCULAR DYSTROPHY, LIMB-GIRDLE, AUTOSOMAL RECESSIVE 10; Limb-girdle muscular dystrophy, type 2J. Identifiers: Orphanet 140922, MedGen C1837342, MONDO:0012127, OMIM 608807.

Allele frequency attached by ClinVar (database versions not stated): TOPMed 0.00003.
gnomAD v4.1: 8 of 1,612,128 alleles (0.0005%); highest among the groups gnomAD compares: African/African-American, 0.0067%; no homozygotes.

Submissions (3):

Fulgent Genetics
Classification: Uncertain significance for Tibial muscular dystrophy; Myopathy, myofibrillar, 9, with early respiratory failure; Dilated cardiomyopathy 1G; Autosomal recessive limb-girdle muscular dystrophy type 2J; Early-onset myopathy with fatal cardiomyopathy; Hypertrophic cardiomyopathy 9. Last evaluated: 2021-11-17. Review status: criteria provided, single submitter. Criteria: ACMG Guidelines, 2015. Collection method: clinical testing. Allele origin: unknown.

Eurofins Ntd Llc (ga)
Classification: Uncertain significance. Last evaluated: 2018-03-13. Review status: criteria provided, single submitter. Criteria: EGL ClinVar v180209 classification definitions. Collection method: clinical testing. Allele origin: germline. Observed: 1 variant allele, 1 heterozygote.

GeneDx
Classification: Uncertain significance. Last evaluated: 2014-05-15. Review status: criteria provided, single submitter. Criteria: GeneDx Variant Classification (06012015). Collection method: clinical testing. Allele origin: germline. Affected: yes.
Comment: Missense variants in the TTN gene are considered 'unclassified' if they are not previously reported in the literature and do not have >1% frequency in the population to be considered a polymorphism. Research indicates that truncating mutations in the TTN gene are expected to account for approximately 25% of familial and 18% of sporadic idiopathic DCM; however, truncating variants in the TTN gene have been reported in approximately 3% of reported control alleles. There has been little investigation into non-truncating variants. (Herman D et al. Truncations of titin causing dilated cardiomyopathy. N Eng J Med 366:619-628, 2012) The variant is found in CARDIOMYOPATHY panel(s).